The following is an entry in ClinVar:

ClinVar aggregate classification (germline): Benign. Review status: criteria provided, multiple submitters, no conflicts (2 of 4 stars). 4 submissions from 3 submitters: Benign (4). Last evaluated 2024-01-24.

Conditions:
Pontocerebellar hypoplasia, hypotonia, and respiratory insufficiency syndrome, neonatal lethal. Also called: PHRINL SYNDROME. Identifiers: Orphanet 615954, MedGen C5394137, MONDO:0032931, OMIM 618810.
Harel-Yoon syndrome (HAYOS). Also called: Optic atrophy-peripheral neuropathy-developmental delay syndrome. Identifiers: Orphanet 496790, MedGen C4310677, MONDO:0014958, OMIM 617183.

Allele frequency attached by ClinVar (database versions not stated): gnomAD exomes 0.71865; gnomAD 0.72133 and 0.73140; TOPMed 0.73231; 1000 Genomes Project 30x 0.83057; 1000 Genomes Project 0.83846.

Submissions (4):

Unidad de Genómica Garrahan, Hospital de Pediatría Garrahan
Classification: Benign. Last evaluated: 2024-01-24. Review status: criteria provided, single submitter. Criteria: ACMG Guidelines, 2015. Collection method: clinical testing. Allele origin: germline. Affected: no. Observed: 51 variant alleles.
Comment: This variant is classified as Benign based on local population frequency. This variant was detected in 54% of patients studied by a panel of primary immunodeficiencies. Number of patients: 51. Only high quality variants are reported.

Genome-Nilou Lab
Classification: Benign for Harel-Yoon syndrome. Last evaluated: 2021-07-14. Review status: criteria provided, single submitter. Criteria: ACMG Guidelines, 2015. Collection method: clinical testing. Allele origin: germline. Affected: no.

Genome-Nilou Lab
Classification: Benign for Pontocerebellar hypoplasia, hypotonia, and respiratory insufficiency syndrome, neonatal lethal. Last evaluated: 2021-07-14. Review status: criteria provided, single submitter. Criteria: ACMG Guidelines, 2015. Collection method: clinical testing. Allele origin: germline. Affected: no.

Breakthrough Genomics
Classification: Benign. Review status: criteria provided, single submitter. Criteria: ACMG Guidelines, 2015. Collection method: not provided. Allele origin: germline. Inheritance: Autosomal recessive inheritance. Affected: yes.

NM_001170535.3(ATAD3A):c.*94G>A

Gene: ATAD3A (ATPase family AAA domain containing 3A; plus strand). Cytogenetic location: 1p36.33.
Variant type: single nucleotide variant.
Coding change: c.*94G>A on transcript NM_001170535.3 (MANE Select); 94 bases downstream of the stop codon, G replaced by A.
Molecular consequence: 3 prime UTR variant.
Genome position (GRCh38, 1-based): chr1:1,534,166, G>A. VCF-style: chr1-1534166-G-A. GRCh37 (hg19) VCF-style: chr1-1469546-G-A.
Other names: c.*94G>A (NM_001170536.3, NM_018188.5).
Identifiers: ClinVar variation 1185474 (VCV001185474.5), dbSNP rs3128344, ClinGen allele CA10655263.